The following is an entry in ClinVar:

ClinVar aggregate classification (germline): Conflicting classifications of pathogenicity. Review status: criteria provided, conflicting classifications (1 of 4 stars). 2 submissions from 2 submitters: Uncertain significance (1); Likely benign (1). Last evaluated 2023-02-27.

Conditions:
Premature ovarian failure 14. Identifiers: MedGen C4693941, MONDO:0044777, OMIM 618014.

Allele frequency attached by ClinVar (database versions not stated): gnomAD 0.00001; gnomAD exomes 0.00001; ExAC 0.00002.
gnomAD v4.1: 18 of 1,613,926 alleles (0.0011%); highest among the groups gnomAD compares: East Asian, 0.02%; no homozygotes.

Submissions (2):

Ambry Genetics
Classification: Uncertain significance. Last evaluated: 2023-02-27. Review status: criteria provided, single submitter. Criteria: Ambry Variant Classification Scheme 2023. Collection method: clinical testing. Allele origin: germline.

Juno Genomics, Hangzhou Juno Genomics, Inc
Classification: Likely benign for Premature ovarian failure 14. Review status: criteria provided, single submitter. Criteria: ACMG Guidelines, 2015. Collection method: clinical testing. Allele origin: germline.
Comment: Absent from controls (or at extremely low frequency if recessive) in Genome Aggregation Database.;Multiple lines of computational evidence suggest no impact on gene or gene product.

NM_005260.7(GDF9):c.511G>T (p.Ala171Ser)

Gene: GDF9 (growth differentiation factor 9; minus strand). Cytogenetic location: 5q31.1.
Variant type: single nucleotide variant.
Coding change: c.511G>T on transcript NM_005260.7 (MANE Select); coding-DNA position 511, G replaced by T.
Protein change: p.Ala171Ser; replaces alanine 171 with serine.
Molecular consequence: missense variant.
Genome position (GRCh38, 1-based): chr5:132,862,443, C>A on the plus strand (G>T on the coding strand, the complement: GDF9 is on the minus strand). VCF-style: chr5-132862443-C-A. GRCh37 (hg19) VCF-style: chr5-132198135-C-A.
Other names: c.247G>T, p.Ala83Ser (NM_001288824.4, NM_001288825.4, NM_001288826.3 and 2 more transcripts); short protein forms A83S, A171S.
Identifiers: ClinVar variation 2489802 (VCV002489802.4), dbSNP rs757000432, ClinGen allele CA3408266.